The following is an entry in ClinVar:

NM_001497.4(B4GALT1):c.557A>G (p.Asn186Ser)

Gene: B4GALT1 (beta-1,4-galactosyltransferase 1; minus strand). Cytogenetic location: 9p21.1.
Variant type: single nucleotide variant.
Coding change: c.557A>G on transcript NM_001497.4 (MANE Select); coding-DNA position 557, A replaced by G.
Protein change: p.Asn186Ser; replaces asparagine 186 with serine.
Molecular consequence: missense variant.
Genome position (GRCh38, 1-based): chr9:33,135,280, T>C on the plus strand (A>G on the coding strand, the complement: B4GALT1 is on the minus strand). VCF-style: chr9-33135280-T-C. GRCh37 (hg19) VCF-style: chr9-33135278-T-C.
Other names: c.518A>G, p.Asn173Ser (NM_001378495.1); c.557A>G, p.Asn186Ser (NM_001378496.1, NM_001378497.1); short protein forms N186S, N173S.
Identifiers: ClinVar variation 1428878 (VCV001428878.8), dbSNP rs374611435, ClinGen allele CA5023748.

ClinVar aggregate classification (germline): Uncertain significance (1 of 4 stars; one submission).

Allele frequency attached by ClinVar (database versions not stated): gnomAD exomes below 0.00001 and 0.00001; ESP Exome Variant Server 0.00008; TOPMed 0.00003; gnomAD 0.00005; ExAC 0.00002.
gnomAD v4.1: 12 of 1,613,924 alleles (0.00074%); highest among the groups gnomAD compares: East Asian, 0.0089%; no homozygotes.

Submission:

Labcorp Genetics (formerly Invitae), Labcorp
Classification: Uncertain significance. Last evaluated: 2021-05-19. Review status: criteria provided, single submitter. Criteria: Invitae Variant Classification Sherloc (09022015). Collection method: clinical testing. Allele origin: germline.
Comment: In summary, the available evidence is currently insufficient to determine the role of this variant in disease. Therefore, it has been classified as a Variant of Uncertain Significance. Algorithms developed to predict the effect of sequence changes on RNA splicing suggest that this variant may create or strengthen a splice site, but this prediction has not been confirmed by published transcriptional studies. Algorithms developed to predict the effect of missense changes on protein structure and function (SIFT, PolyPhen-2, Align-GVGD) all suggest that this variant is likely to be tolerated, but these predictions have not been confirmed by published functional studies and their clinical significance is uncertain. This variant has not been reported in the literature in individuals with B4GALT1-related conditions. This variant is present in population databases (rs374611435, ExAC 0.03%). This sequence change replaces asparagine with serine at codon 186 of the B4GALT1 protein (p.Asn186Ser). The asparagine residue is moderately conserved and there is a small physicochemical difference between asparagine and serine.